The following is an entry in ClinVar:

NM_001171.6(ABCC6):c.1570G>T (p.Ala524Ser)

Gene: ABCC6 (ATP binding cassette subfamily C member 6; minus strand). Cytogenetic location: 16p13.11.
Variant type: single nucleotide variant.
Coding change: c.1570G>T on transcript NM_001171.6 (MANE Select); coding-DNA position 1570, G replaced by T.
Protein change: p.Ala524Ser; replaces alanine 524 with serine.
Molecular consequence: missense variant. On other transcripts: non-coding transcript variant (1).
Genome position (GRCh38, 1-based): chr16:16,190,229, C>A on the plus strand (G>T on the coding strand, the complement: ABCC6 is on the minus strand). VCF-style: chr16-16190229-C-A. GRCh37 (hg19) VCF-style: chr16-16284086-C-A.
Other names: c.1570G>T (NM_001171.5); c.1228G>T, p.Ala410Ser (NM_001351800.1); short protein forms A524S, A410S.
Identifiers: ClinVar variation 1386620 (VCV001386620.9), dbSNP rs143588929, ClinGen allele CA7926267.

ClinVar aggregate classification (germline): Uncertain significance. Review status: criteria provided, multiple submitters, no conflicts (2 of 4 stars). 4 submissions from 4 submitters: Uncertain significance (4). Last evaluated 2026-03-26.

Conditions:
ABCC6-related disorder. Also called: ABCC6-related condition.
Inborn genetic diseases. Identifiers: MedGen C0950123, MeSH D030342.
Arterial calcification, generalized, of infancy, 2. Identifiers: Orphanet 51608, MedGen C3276161, MONDO:0013768, OMIM 614473.
Autosomal recessive inherited pseudoxanthoma elasticum (PXE). Identifiers: Orphanet 758, MedGen CN032334, MONDO:0009925, OMIM 264800.
Pseudoxanthoma elasticum, forme fruste. Also called: Pseudoxanthoma Elasticum, Incomplete; PSEUDOXANTHOMA ELASTICUM, HETEROZYGOUS. Identifiers: Orphanet 758, MedGen C1867450, MONDO:0008333, OMIM 177850.

Allele frequency attached by ClinVar (database versions not stated): ExAC 0.00005; TOPMed 0.00007; 1000 Genomes Project 0.00060; 1000 Genomes Project 30x 0.00062.
gnomAD v4.1: 21 of 1,614,086 alleles (0.0013%); highest among the groups gnomAD compares: African/African-American, 0.025%; no homozygotes.

Submissions (4):

PreventionGenetics, part of Exact Sciences
Classification: Uncertain significance for ABCC6-related condition. Last evaluated: 2026-03-26. Review status: criteria provided, single submitter. Criteria: ACMG Guidelines, 2015. Collection method: clinical testing. Allele origin: germline.
Comment: The ABCC6 c.1570G>T variant is predicted to result in the amino acid substitution p.Ala524Ser. To our knowledge, this variant has not been reported in the literature. This variant is present in 0.040% of alleles in individuals of African descent in gnomAD. At this time, the clinical significance of this variant is uncertain due to the absence of conclusive functional and genetic evidence.

Ambry Genetics
Classification: Uncertain significance for Inborn genetic diseases. Last evaluated: 2024-09-09. Review status: criteria provided, single submitter. Criteria: Ambry Variant Classification Scheme 2023. Collection method: clinical testing. Allele origin: germline.

Fulgent Genetics
Classification: Uncertain significance for Pseudoxanthoma elasticum, forme fruste; Autosomal recessive inherited pseudoxanthoma elasticum; Arterial calcification, generalized, of infancy, 2. Last evaluated: 2024-02-06. Review status: criteria provided, single submitter. Criteria: ACMG Guidelines, 2015. Collection method: clinical testing. Allele origin: germline.

Labcorp Genetics (formerly Invitae), Labcorp
Classification: Uncertain significance. Last evaluated: 2024-01-19. Review status: criteria provided, single submitter. Criteria: Invitae Variant Classification Sherloc (09022015). Collection method: clinical testing. Allele origin: germline.
Comment: This sequence change replaces alanine, which is neutral and non-polar, with serine, which is neutral and polar, at codon 524 of the ABCC6 protein (p.Ala524Ser). This variant is present in population databases (rs143588929, gnomAD 0.05%). This variant has not been reported in the literature in individuals affected with ABCC6-related conditions. ClinVar contains an entry for this variant (Variation ID: 1386620). Advanced modeling of protein sequence and biophysical properties (such as structural, functional, and spatial information, amino acid conservation, physicochemical variation, residue mobility, and thermodynamic stability) has been performed at Invitae for this missense variant, however the output from this modeling did not meet the statistical confidence thresholds required to predict the impact of this variant on ABCC6 protein function. In summary, the available evidence is currently insufficient to determine the role of this variant in disease. Therefore, it has been classified as a Variant of Uncertain Significance.